The following is an entry in ClinVar:

ClinVar aggregate classification (germline): Uncertain significance (1 of 4 stars; one submission).

Submission:

GeneDx
Classification: Uncertain significance. Last evaluated: 2025-07-17. Review status: criteria provided, single submitter. Criteria: GeneDx Variant Classification Process June 2021. Collection method: clinical testing. Allele origin: germline. Affected: yes.
Comment: Not observed at significant frequency in large population cohorts (gnomAD); In silico analysis suggests that this missense variant does not alter protein structure/function; Has not been previously published as pathogenic or benign to our knowledge

NM_003611.3(OFD1):c.646T>C (p.Cys216Arg)

Gene: OFD1 (OFD1 centriole and centriolar satellite protein; plus strand). Cytogenetic location: Xp22.2.
Variant type: single nucleotide variant.
Coding change: c.646T>C on transcript NM_003611.3 (MANE Select); coding-DNA position 646, T replaced by C.
Protein change: p.Cys216Arg; replaces cysteine 216 with arginine.
Molecular consequence: missense variant.
Genome position (GRCh38, 1-based): chrX:13,746,447, T>C. VCF-style: chrX-13746447-T-C. GRCh37 (hg19) VCF-style: chrX-13764566-T-C.
Other names: c.646T>C, p.Cys216Arg (NM_001440947.1, NM_001440948.1, NM_001330209.2); c.226T>C, p.Cys76Arg (NM_001330210.2); short protein forms C216R, C76R.
Identifiers: ClinVar variation 4686418 (VCV004686418.1).